The following is an entry in ClinVar:

ClinVar aggregate classification (germline): Likely benign. Review status: criteria provided, multiple submitters, no conflicts (2 of 4 stars). 2 submissions from 2 submitters: Likely benign (2). Last evaluated 2026-01-28.

Conditions:
Fanconi anemia (FA). Also called: Fanconi's anemia. Identifiers: Orphanet 84, MedGen C0015625, MeSH D005199, MONDO:0019391.

Allele frequency attached by ClinVar (database versions not stated): gnomAD 0.00001; TOPMed 0.00002.
gnomAD v4.1: 1 of 1,460,386 alleles (0.000068%); highest among the groups gnomAD compares: African/African-American, 0.0014%; no homozygotes.

Submissions (2):

Labcorp Genetics (formerly Invitae), Labcorp
Classification: Likely benign for Fanconi anemia. Last evaluated: 2026-01-28. Review status: criteria provided, single submitter. Criteria: Invitae Variant Classification Sherloc (09022015). Collection method: clinical testing. Allele origin: germline.

GeneDx
Classification: Likely benign. Last evaluated: 2017-02-22. Review status: criteria provided, single submitter. Criteria: GeneDx Variant Classification (06012015). Collection method: clinical testing. Allele origin: germline. Affected: yes.
Comment: This variant is considered likely benign or benign based on one or more of the following criteria: it is a conservative change, it occurs at a poorly conserved position in the protein, it is predicted to be benign by multiple in silico algorithms, and/or has population frequency not consistent with disease.

NM_000136.3(FANCC):c.-71G>A

Gene: FANCC (FA complementation group C; minus strand). Cytogenetic location: 9q22.32.
Variant type: single nucleotide variant.
Coding change: c.-71G>A on transcript NM_000136.3 (MANE Select); 71 bases upstream of the start codon, G replaced by A.
Molecular consequence: 5 prime UTR variant.
Genome position (GRCh38, 1-based): chr9:95,249,362, C>T on the plus strand (G>A on the coding strand, the complement: FANCC is on the minus strand). VCF-style: chr9-95249362-C-T. GRCh37 (hg19) VCF-style: chr9-98011644-C-T.
Other names: c.-71G>A (NM_001243743.2, NM_001243744.2).
Identifiers: ClinVar variation 507600 (VCV000507600.9), dbSNP rs1296685064, ClinGen allele CA658797231.